The following is an entry in ClinVar:

NM_006005.3(WFS1):c.1312_1320dup (p.Thr440_Val441insPhePheThr)

Gene: WFS1 (wolframin ER transmembrane glycoprotein; plus strand). Cytogenetic location: 4p16.1.
Variant type: Duplication.
Coding change: c.1312_1320dup on transcript NM_006005.3 (MANE Select); coding-DNA positions 1312 to 1320, 9 bases duplicated (TTCTTTACC; older notation c.1312_1320dupTTCTTTACC).
Protein change: p.Thr440_Val441insPhePheThr.
Molecular consequence: inframe insertion.
Genome position (GRCh38, 1-based): chr4:6,301,107-6,301,115, TTCTTTACC duplicated; duplicating any 9 consecutive bases within chr4:6,301,106-6,301,115 gives the same sequence; the c. name uses the placement nearest the transcript's 3' end. VCF-style (leftmost placement, unchanged base first): chr4-6301105-G-GCTTCTTTAC. GRCh37 (hg19) VCF-style: chr4-6302832-G-GCTTCTTTAC.
Other names: c.1312_1320dup, p.Thr440_Val441insPhePheThr (NM_001145853.1).
Identifiers: ClinVar variation 4720441 (VCV004720441.1).

ClinVar aggregate classification (germline): Uncertain significance (1 of 4 stars; one submission).

Submission:

Labcorp Genetics (formerly Invitae), Labcorp
Classification: Uncertain significance. Last evaluated: 2025-05-29. Review status: criteria provided, single submitter. Criteria: Invitae Variant Classification Sherloc (09022015). Collection method: clinical testing. Allele origin: germline.
Comment: This variant, c.1312_1320dup, results in the insertion of 3 amino acid(s) of the WFS1 protein (p.Phe438_Thr440dup), but otherwise preserves the integrity of the reading frame. This variant is not present in population databases (gnomAD no frequency). This variant has not been reported in the literature in individuals affected with WFS1-related conditions. In summary, the available evidence is currently insufficient to determine the role of this variant in disease. Therefore, it has been classified as a Variant of Uncertain Significance.